The following is an entry in ClinVar:

ClinVar aggregate classification (germline): Conflicting classifications of pathogenicity. Review status: criteria provided, conflicting classifications (1 of 4 stars). 10 submissions from 10 submitters: Uncertain significance (1); Benign (2); Likely benign (6). 1 of the submissions does not count toward it. Last evaluated 2026-01-11.

Conditions:
MYLK-related disorder. Also called: MYLK-related condition.
Connective tissue disorder. Also called: Connective tissue disease. Identifiers: MedGen C0009782, MONDO:0003900.
Familial thoracic aortic aneurysm and aortic dissection (TAAD). Also called: Thoracic aortic aneurysms and dissections. Identifiers: Orphanet 91387, MedGen C4707243, MONDO:0019625.
Aortic aneurysm, familial thoracic 7 (AAT7). Also called: AORTIC DISSECTION, FAMILIAL, WITH OR WITHOUT AORTIC ANEURYSM. Identifiers: MedGen C3151077, MONDO:0013418, OMIM 613780.

Allele frequency attached by ClinVar (database versions not stated): TOPMed 0.00028; ExAC 0.00039; gnomAD exomes 0.00043 and 0.00025; ESP Exome Variant Server 0.00023; gnomAD 0.00025 and 0.00026.
gnomAD v4.1: 437 of 1,614,034 alleles (0.027%); highest among the groups gnomAD compares: Middle Eastern, 0.049%; 1 homozygote.

Submissions (10):

Labcorp Genetics (formerly Invitae), Labcorp
Classification: Benign for Aortic aneurysm, familial thoracic 7. Last evaluated: 2026-01-11. Review status: criteria provided, single submitter. Criteria: Invitae Variant Classification Sherloc (09022015). Collection method: clinical testing. Allele origin: germline.

Mayo Clinic Laboratories, Mayo Clinic
Classification: Likely benign. Last evaluated: 2025-10-01. Review status: criteria provided, single submitter. Criteria: ACMG Guidelines, 2015. Collection method: clinical testing. Allele origin: germline. Observed: 1 variant allele.
Comment: BS1, BP4_moderate

Blueprint Genetics
Classification: Likely benign. Last evaluated: 2024-09-12. Review status: criteria provided, single submitter. Criteria: ACMG Guidelines, 2015. Collection method: clinical testing. Allele origin: germline.

ARUP Laboratories, Molecular Genetics and Genomics, ARUP Laboratories
Classification: Likely benign. Last evaluated: 2023-10-03. Review status: criteria provided, single submitter. Criteria: ARUP Molecular Germline Variant Investigation Process 2024. Collection method: clinical testing. Allele origin: germline.

GeneDx
Classification: Likely benign. Last evaluated: 2021-06-17. Review status: criteria provided, single submitter. Criteria: GeneDx Variant Classification Process June 2021. Collection method: clinical testing. Allele origin: germline. Affected: yes.

Women's Health and Genetics/Laboratory Corporation of America, LabCorp
Classification: Benign. Last evaluated: 2021-02-22. Review status: criteria provided, single submitter. Criteria: LabCorp Variant Classification Summary - May 2015. Collection method: clinical testing. Allele origin: germline.
Comment: Variant summary: MYLK c.1609G>A (p.Val537Ile) results in a conservative amino acid change located in the Immunoglobulin subtype 2 domain of the encoded protein sequence. Five of five in-silico tools predict a benign effect of the variant on protein function. The variant allele was found at a frequency of 0.00043 in 250926 control chromosomes. The observed variant frequency is approximately 8.6-fold the estimated maximal expected allele frequency for a pathogenic variant in MYLK causing Thoracic Aortic Aneurysms And Dissections phenotype (5e-05), strongly suggesting that the variant is benign. To our knowledge, no occurrence of c.1609G>A in individuals affected with Thoracic Aortic Aneurysms And Dissections and no experimental evidence demonstrating its impact on protein function have been reported. Six clinical diagnostic laboratories have submitted clinical-significance assessments for this variant to ClinVar after 2014 without evidence for independent evaluation. Multiple laboratories reported the variant with conflicting assessments (benign, n=1; likely benign, n=3; uncertain significance, n=2). Based on the evidence outlined above, the variant was classified as benign.

Ambry Genetics
Classification: Likely benign for Familial thoracic aortic aneurysm and aortic dissection. Last evaluated: 2018-06-08. Review status: criteria provided, single submitter. Criteria: Ambry Variant Classification Scheme 2023. Collection method: clinical testing. Allele origin: germline.

Illumina Laboratory Services, Illumina
Classification: Uncertain significance for Aortic aneurysm, familial thoracic 7. Last evaluated: 2018-01-13. Review status: criteria provided, single submitter. Criteria: ICSL Variant Classification Criteria 13 December 2019. Collection method: clinical testing. Allele origin: germline.

Center for Human Genetics, Inc
Classification: Likely benign for Connective tissue disorder. Last evaluated: 2016-11-01. Review status: criteria provided, single submitter. Criteria: ACMG Guidelines, 2015. Collection method: clinical testing. Allele origin: germline. Affected: yes.

PreventionGenetics, part of Exact Sciences
Classification: Likely benign for MYLK-related condition. Last evaluated: 2021-01-11. Review status: no assertion criteria provided. Collection method: clinical testing. Allele origin: germline. Not counted in ClinVar's aggregate classification.
Comment: This variant is classified as likely benign based on ACMG/AMP sequence variant interpretation guidelines (Richards et al. 2015 PMID: 25741868, with internal and published modifications).

NM_053025.4(MYLK):c.1609G>A (p.Val537Ile)

Gene: MYLK (myosin light chain kinase; minus strand). Cytogenetic location: 3q21.1.
Variant type: single nucleotide variant.
Coding change: c.1609G>A on transcript NM_053025.4 (MANE Select); coding-DNA position 1609, G replaced by A.
Protein change: p.Val537Ile; replaces valine 537 with isoleucine.
Molecular consequence: missense variant.
Genome position (GRCh38, 1-based): chr3:123,725,986, C>T on the plus strand (G>A on the coding strand, the complement: MYLK is on the minus strand). VCF-style: chr3-123725986-C-T. GRCh37 (hg19) VCF-style: chr3-123444833-C-T.
Other names: p.Val537Ile; c.1081G>A, p.Val361Ile (NM_001321309.2); c.1402G>A, p.Val468Ile (NM_053026.4, NM_053028.4); c.1609G>A, p.Val537Ile (NM_053027.4); short protein forms V537I, V361I, V468I.
Identifiers: ClinVar variation 409695 (VCV000409695.34), dbSNP rs199988497, ClinGen allele CA067254.